The following is an entry in ClinVar:

NM_016239.4(MYO15A):c.4677G>A (p.Leu1559=)

Gene: MYO15A (myosin XVA; plus strand). Cytogenetic location: 17p11.2.
Variant type: single nucleotide variant.
Coding change: c.4677G>A on transcript NM_016239.4 (MANE Select); coding-DNA position 4677, G replaced by A.
Protein change: p.Leu1559=; no amino-acid change (leucine 1559 retained).
Molecular consequence: synonymous variant.
Genome position (GRCh38, 1-based): chr17:18,136,584, G>A. VCF-style: chr17-18136584-G-A. GRCh37 (hg19) VCF-style: chr17-18039898-G-A.
Other names: c.4677G>A (NM_016239.3).
Identifiers: ClinVar variation 2917586 (VCV002917586.5), dbSNP rs148999376, ClinGen allele CA498199874.
Genomic context (GRCh38, chr17:18,136,584, plus strand): 5'-CACGGTGTCCTGCTCACACCAGCACCACCTCTGCTCCAGGGACGCCATCGCCAAGGTCTT[G>A]TATGCACTGCTGTTCAGCTGGCTCATCACCAGGGTCAACGCGCTGGTGTCCCCAAGGCAG-3'
Protein context (NP_057323.3, residues 1549-1569): VDARDAIAKV[Leu1559=]YALLFSWLIT

ClinVar aggregate classification (germline): Conflicting classifications of pathogenicity. Review status: criteria provided, conflicting classifications (1 of 4 stars). 3 submissions from 3 submitters: Uncertain significance (1); Likely benign (2). Last evaluated 2024-11-21.

Conditions:
MYO15A-related disorder. Also called: MYO15A-related condition.

Allele frequency attached by ClinVar (database versions not stated): TOPMed 0.00002.
gnomAD v4.1: 54 of 1,613,920 alleles (0.0033%); highest among the groups gnomAD compares: Non-Finnish European, 0.0042%; no homozygotes.

Submissions (3):

PreventionGenetics, part of Exact Sciences
Classification: Likely benign for MYO15A-related condition. Last evaluated: 2024-11-21. Review status: criteria provided, single submitter. Criteria: ACMG Guidelines, 2015. Collection method: clinical testing. Allele origin: germline.
Comment: This variant is classified as likely benign based on ACMG/AMP sequence variant interpretation guidelines (Richards et al. 2015 PMID: 25741868, with internal and published modifications).

GeneDx
Classification: Uncertain significance. Last evaluated: 2024-05-14. Review status: criteria provided, single submitter. Criteria: GeneDx Variant Classification Process June 2021. Collection method: clinical testing. Allele origin: germline. Affected: yes.
Comment: Not observed at significant frequency in large population cohorts (gnomAD); In silico analysis indicates that this variant does not alter splicing; Has not been previously published as pathogenic or benign to our knowledge

Labcorp Genetics (formerly Invitae), Labcorp
Classification: Likely benign. Last evaluated: 2023-12-30. Review status: criteria provided, single submitter. Criteria: Invitae Variant Classification Sherloc (09022015). Collection method: clinical testing. Allele origin: germline.